The following is an entry in ClinVar:

ClinVar aggregate classification (germline): Uncertain significance. Review status: criteria provided, multiple submitters, no conflicts (2 of 4 stars). 2 submissions from 2 submitters: Uncertain significance (2). Last evaluated 2025-10-18.

Conditions:
Familial adenomatous polyposis 1 (FAP1). Also called: POLYPOSIS, ADENOMATOUS INTESTINAL; FAMILIAL ADENOMATOUS POLYPOSIS 1, ATTENUATED. Identifiers: MedGen C2713442, MONDO:0021056, OMIM 175100. Disease mechanism: loss of function.
Hereditary cancer-predisposing syndrome. Also called: Neoplastic Syndromes, Hereditary; Hereditary Cancer Syndrome; Tumor predisposition; Hereditary neoplastic syndrome. Identifiers: Orphanet 140162, MedGen C0027672, MeSH D009386, MONDO:0015356.

Submissions (2):

Labcorp Genetics (formerly Invitae), Labcorp
Classification: Uncertain significance for Familial adenomatous polyposis 1. Last evaluated: 2025-10-18. Review status: criteria provided, single submitter. Criteria: Invitae Variant Classification Sherloc (09022015). Collection method: clinical testing. Allele origin: germline.
Comment: This sequence change replaces serine, which is neutral and polar, with alanine, which is neutral and non-polar, at codon 900 of the APC protein (p.Ser900Ala). This variant is not present in population databases (gnomAD no frequency). This variant has not been reported in the literature in individuals affected with APC-related conditions. ClinVar contains an entry for this variant (Variation ID: 574596). Invitae Evidence Modeling of protein sequence and biophysical properties (such as structural, functional, and spatial information, amino acid conservation, physicochemical variation, residue mobility, and thermodynamic stability) indicates that this missense variant is not expected to disrupt APC protein function with a negative predictive value of 95%. In summary, the available evidence is currently insufficient to determine the role of this variant in disease. Therefore, it has been classified as a Variant of Uncertain Significance.

Ambry Genetics
Classification: Uncertain significance for Hereditary cancer-predisposing syndrome. Last evaluated: 2021-10-22. Review status: criteria provided, single submitter. Criteria: Ambry Variant Classification Scheme 2023. Collection method: clinical testing. Allele origin: germline.
Comment: The p.S900A variant (also known as c.2698T>G), located in coding exon 15 of the APC gene, results from a T to G substitution at nucleotide position 2698. The serine at codon 900 is replaced by alanine, an amino acid with similar properties. This amino acid position is not well conserved in available vertebrate species. In addition, in silico predictors for this gene do not accurately predict pathogenicity. Since supporting evidence is limited at this time, the clinical significance of this alteration remains unclear.

NM_000038.6(APC):c.2698T>G (p.Ser900Ala)

Gene: APC (APC regulator of Wnt signaling pathway; plus strand). Cytogenetic location: 5q22.2.
Variant type: single nucleotide variant.
Coding change: c.2698T>G on transcript NM_000038.6 (MANE Select); coding-DNA position 2698, T replaced by G.
Protein change: p.Ser900Ala; replaces serine 900 with alanine.
Molecular consequence: missense variant.
Genome position (GRCh38, 1-based): chr5:112,838,292, T>G. VCF-style: chr5-112838292-T-G. GRCh37 (hg19) VCF-style: chr5-112173989-T-G.
Other names: c.2698T>G, p.Ser900Ala (NM_001127510.3, NM_001354895.2); c.2644T>G, p.Ser882Ala (NM_001127511.3); c.2752T>G, p.Ser918Ala (NM_001354896.2); c.2728T>G, p.Ser910Ala (NM_001354897.2); c.2623T>G, p.Ser875Ala (NM_001354898.2); c.2614T>G, p.Ser872Ala (NM_001354899.2); c.2575T>G, p.Ser859Ala (NM_001354900.2); c.2521T>G, p.Ser841Ala (NM_001354901.2); and 5 more; short protein forms S882A, S900A, S740A, S774A, S910A, S809A, S841A, S859A.
Identifiers: ClinVar variation 574596 (VCV000574596.13), dbSNP rs777974681, ClinGen allele CA16027220.